The following is an entry in ClinVar:

ClinVar aggregate classification (germline): Uncertain significance (1 of 4 stars; one submission).

gnomAD v4.1: 6 of 1,551,692 alleles (0.00039%); highest among the groups gnomAD compares: Middle Eastern, 0.017%; no homozygotes.

Submission:

Labcorp Genetics (formerly Invitae), Labcorp
Classification: Uncertain significance. Last evaluated: 2024-02-17. Review status: criteria provided, single submitter. Criteria: Invitae Variant Classification Sherloc (09022015). Collection method: clinical testing. Allele origin: germline.
Comment: This sequence change replaces phenylalanine, which is neutral and non-polar, with leucine, which is neutral and non-polar, at codon 2503 of the UNC80 protein (p.Phe2503Leu). This variant is present in population databases (no rsID available, gnomAD 0.004%). This variant has not been reported in the literature in individuals affected with UNC80-related conditions. ClinVar contains an entry for this variant (Variation ID: 1937207). Advanced modeling of protein sequence and biophysical properties (such as structural, functional, and spatial information, amino acid conservation, physicochemical variation, residue mobility, and thermodynamic stability) performed at Invitae indicates that this missense variant is not expected to disrupt UNC80 protein function with a negative predictive value of 80%. In summary, the available evidence is currently insufficient to determine the role of this variant in disease. Therefore, it has been classified as a Variant of Uncertain Significance.

NM_001371986.1(UNC80):c.7707C>A (p.Phe2569Leu)

Gene: UNC80 (unc-80 subunit of NALCN channel complex; plus strand). Cytogenetic location: 2q34.
Variant type: single nucleotide variant.
Coding change: c.7707C>A on transcript NM_001371986.1 (MANE Select); coding-DNA position 7707, C replaced by A.
Protein change: p.Phe2569Leu; replaces phenylalanine 2569 with leucine.
Molecular consequence: missense variant.
Genome position (GRCh38, 1-based): chr2:209,959,609, C>A. VCF-style: chr2-209959609-C-A. GRCh37 (hg19) VCF-style: chr2-210824333-C-A.
Other names: c.7509C>A, p.Phe2503Leu (NM_032504.2); c.7494C>A, p.Phe2498Leu (NM_182587.4); short protein forms F2503L, F2498L, F2569L.
Identifiers: ClinVar variation 1937207 (VCV001937207.5), dbSNP rs1279993004, ClinGen allele CA350776866.